The following is an entry in ClinVar:

ClinVar aggregate classification (germline): Uncertain significance (1 of 4 stars; one submission).

Allele frequency attached by ClinVar (database versions not stated): TOPMed below 0.00001; gnomAD 0.00001; gnomAD exomes 0.00002.
gnomAD v4.1: 23 of 1,602,378 alleles (0.0014%); highest among the groups gnomAD compares: Non-Finnish European, 0.002%; no homozygotes.

Submission:

Labcorp Genetics (formerly Invitae), Labcorp
Classification: Uncertain significance. Last evaluated: 2023-04-17. Review status: criteria provided, single submitter. Criteria: Invitae Variant Classification Sherloc (09022015). Collection method: clinical testing. Allele origin: germline.
Comment: This variant has not been reported in the literature in individuals affected with CAMK2B-related conditions. This sequence change replaces valine, which is neutral and non-polar, with alanine, which is neutral and non-polar, at codon 457 of the CAMK2B protein (p.Val457Ala). This variant is present in population databases (no rsID available, gnomAD 0.002%). An algorithm developed to predict the effect of missense changes on protein structure and function (PolyPhen-2) suggests that this variant is likely to be tolerated. In summary, the available evidence is currently insufficient to determine the role of this variant in disease. Therefore, it has been classified as a Variant of Uncertain Significance.

NM_001220.5(CAMK2B):c.1370T>C (p.Val457Ala)

Gene: CAMK2B (calcium/calmodulin dependent protein kinase II beta; minus strand). Cytogenetic location: 7p13.
Variant type: single nucleotide variant.
Coding change: c.1370T>C on transcript NM_001220.5 (MANE Select); coding-DNA position 1370, T replaced by C.
Protein change: p.Val457Ala; replaces valine 457 with alanine.
Molecular consequence: missense variant. On other transcripts: intron variant (8).
Genome position (GRCh38, 1-based): chr7:44,228,894, A>G on the plus strand (T>C on the coding strand, the complement: CAMK2B is on the minus strand). VCF-style: chr7-44228894-A-G. GRCh37 (hg19) VCF-style: chr7-44268493-A-G.
Other names: c.947-7993T>C (NM_172084.3); c.1150+2112T>C (NM_172080.3); c.1036+2112T>C (NM_172083.3); c.1108+2112T>C (NM_172081.3); c.1153+2112T>C (NM_172079.3, NM_172082.3); c.1225+2112T>C (NM_001293170.2, NM_172078.3); short protein forms V457A.
Identifiers: ClinVar variation 2856998 (VCV002856998.3), dbSNP rs893430420, ClinGen allele CA157917788.